The following is an entry in ClinVar:

NM_000831.4(GRIK3):c.2166C>T (p.Asn722=)

Gene: GRIK3 (glutamate ionotropic receptor kainate type subunit 3; minus strand). Cytogenetic location: 1p34.3.
Variant type: single nucleotide variant.
Coding change: c.2166C>T on transcript NM_000831.4 (MANE Select); coding-DNA position 2166, C replaced by T.
Protein change: p.Asn722=; no amino-acid change (asparagine 722 retained).
Molecular consequence: synonymous variant.
Genome position (GRCh38, 1-based): chr1:36,806,252, G>A on the plus strand (C>T on the coding strand, the complement: GRIK3 is on the minus strand). VCF-style: chr1-36806252-G-A. GRCh37 (hg19) VCF-style: chr1-37271853-G-A.
Identifiers: ClinVar variation 2638676 (VCV002638676.24), dbSNP rs373589381, ClinGen allele CA769804.

ClinVar aggregate classification (germline): Likely benign (1 of 4 stars; one submission).

Allele frequency attached by ClinVar (database versions not stated): gnomAD 0.00003; gnomAD exomes 0.00003; TOPMed 0.00003; ExAC 0.00004; ESP Exome Variant Server 0.00008.
gnomAD v4.1: 55 of 1,613,994 alleles (0.0034%); highest among the groups gnomAD compares: Middle Eastern, 0.066%; 1 homozygote.

Submission:

CeGaT Center for Human Genetics Tuebingen
Classification: Likely benign. Last evaluated: 2022-09-01. Review status: criteria provided, single submitter. Criteria: CeGaT Center For Human Genetics Tuebingen Variant Classification Criteria Version 2. Collection method: clinical testing. Allele origin: germline. Affected: yes. Observed: 1 variant allele.
Comment: GRIK3: BP4, BP7